The following is an entry in ClinVar:

ClinVar aggregate classification (germline): Pathogenic (1 of 4 stars; one submission).

Conditions:
Werner syndrome (WRN). Identifiers: Orphanet 902, MedGen C0043119, MONDO:0010196, OMIM 277700.

Allele frequency attached by ClinVar (database versions not stated): gnomAD exomes below 0.00001.
gnomAD v4.1: 1 of 1,613,080 alleles (0.000062%); highest among the groups gnomAD compares: Non-Finnish European, 0.000085%; no homozygotes.

Submission:

Labcorp Genetics (formerly Invitae), Labcorp
Classification: Pathogenic for Werner syndrome. Last evaluated: 2023-04-24. Review status: criteria provided, single submitter. Criteria: Invitae Variant Classification Sherloc (09022015). Collection method: clinical testing. Allele origin: germline.
Comment: This variant is not present in population databases (gnomAD no frequency). This variant has not been reported in the literature in individuals affected with WRN-related conditions. This sequence change creates a premature translational stop signal (p.Tyr848*) in the WRN gene. It is expected to result in an absent or disrupted protein product. Loss-of-function variants in WRN are known to be pathogenic (PMID: 16673358). ClinVar contains an entry for this variant (Variation ID: 653972). For these reasons, this variant has been classified as Pathogenic.

Literature cited by the submitters: PubMed 16673358.

NM_000553.6(WRN):c.2544T>A (p.Tyr848Ter)

Gene: WRN (WRN RecQ like helicase; plus strand). Cytogenetic location: 8p12.
Variant type: single nucleotide variant.
Coding change: c.2544T>A on transcript NM_000553.6 (MANE Select); coding-DNA position 2544, T replaced by A.
Protein change: p.Tyr848Ter; replaces tyrosine 848 with a stop codon.
Molecular consequence: nonsense.
Genome position (GRCh38, 1-based): chr8:31,120,338, T>A. VCF-style: chr8-31120338-T-A. GRCh37 (hg19) VCF-style: chr8-30977854-T-A.
Other names: short protein forms Y848*.
Identifiers: ClinVar variation 653972 (VCV000653972.5), dbSNP rs1585483312, ClinGen allele CA370915507.
Genomic context (GRCh38, chr8:31,120,338, plus strand): 5'-TAATAAAGCTGACATTCGCCAAGTCATTCATTACGGTGCTCCTAAGGACATGGAATCATA[T>A]TATCAGGAGATTGGTAGAGCTGGTCGTGATGGACTTCAAAGTTCTTGTCACGTCCTCTGG-3'